The following is an entry in ClinVar:

ClinVar aggregate classification (germline): Uncertain significance (1 of 4 stars; one submission).

Submission:

Women's Health and Genetics/Laboratory Corporation of America, LabCorp
Classification: Uncertain significance. Last evaluated: 2025-05-27. Review status: criteria provided, single submitter. Criteria: LabCorp Variant Classification Summary - May 2015. Collection method: clinical testing. Allele origin: germline.
Comment: Variant summary: ADAMTS13 c.909C>G alters a conserved nucleotide resulting in a synonymous change. Several computational tools predict a significant impact on normal splicing: One predict the variant abolishes a cryptic 3' acceptor site. One predict the variant weakens a cryptic 3' acceptor site. One predict the variant no significant impact on splicing. However, these predictions have yet to be confirmed by functional studies. The variant was absent in 214706 control chromosomes. The available data on variant occurrences in the general population are insufficient to allow any conclusion about variant significance. To our knowledge, no occurrence of c.909C>G in individuals affected with Thrombotic Thrombocytopenic Purpura and no experimental evidence demonstrating its impact on protein function have been reported. No submitters have cited clinical-significance assessments for this variant to ClinVar. Based on the evidence outlined above, the variant was classified as uncertain significance.

NM_139027.6(ADAMTS13):c.909C>G (p.Leu303=)

Gene: ADAMTS13 (ADAM metallopeptidase with thrombospondin type 1 motif 13; plus strand). Cytogenetic location: 9q34.2.
Variant type: single nucleotide variant.
Coding change: c.909C>G on transcript NM_139027.6 (MANE Select); coding-DNA position 909, C replaced by G.
Protein change: p.Leu303=; no amino-acid change (leucine 303 retained).
Molecular consequence: synonymous variant. On other transcripts: intron variant (1).
Genome position (GRCh38, 1-based): chr9:133,430,023, C>G. VCF-style: chr9-133430023-C-G. GRCh37 (hg19) VCF-style: chr9-136295143-C-G.
Other names: c.909C>G, p.Leu303= (NM_139025.5); c.825-9C>G (NM_139026.6).
Identifiers: ClinVar variation 3902658 (VCV003902658.1).